The following is an entry in ClinVar:

NM_212552.3(BOLA3):c.295C>T (p.Arg99Trp)

Gene: BOLA3 (bolA family member 3; minus strand). Cytogenetic location: 2p13.1.
Variant type: single nucleotide variant.
Coding change: c.295C>T on transcript NM_212552.3 (MANE Select); coding-DNA position 295, C replaced by T.
Protein change: p.Arg99Trp; replaces arginine 99 with tryptophan.
Molecular consequence: missense variant.
Genome position (GRCh38, 1-based): chr2:74,135,622, G>A on the plus strand (C>T on the coding strand, the complement: BOLA3 is on the minus strand). VCF-style: chr2-74135622-G-A. GRCh37 (hg19) VCF-style: chr2-74362749-G-A.
Other names: c.206C>T, p.Ala69Val (NM_001035505.2); short protein forms R99W, A69V.
Identifiers: ClinVar variation 2585013 (VCV002585013.1), dbSNP rs866949521, ClinGen allele CA50430469.
Genomic context (GRCh38, chr2:74,135,622, plus strand): 5'-AAGCAGCAGCATCTATGCAGCCAGGGCGTGGTCAGCGTTTGGGGACAGAGGTAAATATCC[G>A]CAATCCATGCATCTCTTTGATTTCTTCTTTTAGTGCCTAAGTAAGAAAACAGCATCATCA-3'
Protein context (NP_997717.2, residues 89-107): KEEIKEMHGL[Arg99Trp]IFTSVPKR

ClinVar aggregate classification (germline): Uncertain significance (1 of 4 stars; one submission).

Conditions:
Multiple mitochondrial dysfunctions syndrome 2 (MMDS2). Also called: MULTIPLE MITOCHONDRIAL DYSFUNCTIONS SYNDROME 2 WITH HYPERGLYCINEMIA. Identifiers: Orphanet 401874, MedGen C3280378, MONDO:0013675, OMIM 614299.

Allele frequency attached by ClinVar (database versions not stated): TOPMed 0.00001.
gnomAD v4.1: 29 of 1,613,910 alleles (0.0018%); highest among the groups gnomAD compares: Non-Finnish European, 0.0021%; no homozygotes.

Submission:

Neuberg Centre For Genomic Medicine, NCGM
Classification: Uncertain significance for Multiple mitochondrial dysfunctions syndrome 2. Review status: criteria provided, single submitter. Criteria: ACMG Guidelines, 2015. Collection method: clinical testing. Allele origin: germline. Inheritance: Autosomal recessive inheritance. Affected: yes.
Comment: The c.295C>T (p.Arg99Trp) missense variant in BOLA3 gene has not been reported previously as a pathogenic variant nor as a benign variant, to our knowledge. This variant is reported with the allele frequency (0.0003%) in the gnomAD and novel in 1000 genome database. The amino acid Arg at position 99 is changed to a Trp changing protein sequence and it might alter its composition and physico-chemical properties. The amino acid change p.Arg99Trp in BOLA3 is predicted as conserved by GERP++ and PhyloP across 100 vertebrates. For these reasons, this variant has been classified as variant of Uncertain Significance (VUS).